The following is an entry in ClinVar:

NM_001009944.3(PKD1):c.8530G>A (p.Val2844Ile)

Gene: PKD1 (polycystin 1, transient receptor potential channel interacting; minus strand). Cytogenetic location: 16p13.3.
Variant type: single nucleotide variant.
Coding change: c.8530G>A on transcript NM_001009944.3 (MANE Select); coding-DNA position 8530, G replaced by A.
Protein change: p.Val2844Ile; replaces valine 2844 with isoleucine.
Molecular consequence: missense variant.
Genome position (GRCh38, 1-based): chr16:2,103,527, C>T on the plus strand (G>A on the coding strand, the complement: PKD1 is on the minus strand). VCF-style: chr16-2103527-C-T. GRCh37 (hg19) VCF-style: chr16-2153528-C-T.
Other names: c.8530G>A, p.Val2844Ile (NM_000296.4); short protein forms V2844I.
Identifiers: ClinVar variation 4977892 (VCV004977892.1).

ClinVar aggregate classification (germline): Likely benign (1 of 4 stars; one submission).

Conditions:
PKD1-related disorder. Also called: PKD1-related condition.

gnomAD v4.1: 160 of 1,607,338 alleles (0.01%); highest among the groups gnomAD compares: Middle Eastern, 0.023%; no homozygotes.

Submission:

PreventionGenetics, part of Exact Sciences
Classification: Likely benign for PKD1-related condition. Last evaluated: 2026-05-22. Review status: criteria provided, single submitter. Criteria: ACMG Guidelines, 2015. Collection method: clinical testing. Allele origin: germline.
Comment: This variant is classified as likely benign based on ACMG/AMP sequence variant interpretation guidelines (Richards et al. 2015 PMID: 25741868, with internal and published modifications).